The following is an entry in ClinVar:

ClinVar aggregate classification (germline): Benign. Review status: criteria provided, multiple submitters, no conflicts (2 of 4 stars). 2 submissions from 2 submitters: Benign (2). Last evaluated 2018-01-12.

Conditions:
Landau-Kleffner syndrome (FESD). Also called: EPILEPSY, FOCAL, WITH SPEECH DISORDER AND WITH OR WITHOUT MENTAL RETARDATION; APHASIA, ACQUIRED, WITH EPILEPSY. Identifiers: Orphanet 1945, Orphanet 725, Orphanet 98818, MedGen C0282512, MONDO:0009509, OMIM 245570.

Allele frequency attached by ClinVar (database versions not stated): 1000 Genomes Project 30x 0.75406; TOPMed 0.79031; 1000 Genomes Project 0.75220; gnomAD exomes 0.81852; gnomAD 0.79542 and 0.79570.
gnomAD v4.1: 177,361 of 220,716 alleles (80%); highest among the groups gnomAD compares: Middle Eastern, 90%; 71,977 homozygotes.

Submissions (2):

Illumina Laboratory Services, Illumina
Classification: Benign for Landau-Kleffner syndrome. Last evaluated: 2018-01-12. Review status: criteria provided, single submitter. Criteria: ICSL Variant Classification Criteria 13 December 2019. Collection method: clinical testing. Allele origin: germline.
Comment: This variant was observed in the ICSL laboratory as part of a predisposition screen in an ostensibly healthy population. It had not been previously curated by ICSL or reported in the Human Gene Mutation Database (HGMD: prior to June 1st, 2018), and was therefore a candidate for classification through an automated scoring system. Utilizing variant allele frequency, disease prevalence and penetrance estimates, and inheritance mode, an automated score was calculated to assess if this variant is too frequent to cause the disease. Based on the score and internal cut-off values, a variant classified as benign is not then subjected to further curation. The score for this variant resulted in a classification of benign for this disease.

Breakthrough Genomics
Classification: Benign. Review status: criteria provided, single submitter. Criteria: ACMG Guidelines, 2015. Collection method: not provided. Allele origin: germline. Inheritance: Autosomal dominant inheritance. Affected: yes.

NM_001134407.3(GRIN2A):c.*5818C>T

Gene: GRIN2A (glutamate ionotropic receptor NMDA type subunit 2A; minus strand). Cytogenetic location: 16p13.2.
Variant type: single nucleotide variant.
Coding change: c.*5818C>T on transcript NM_001134407.3 (MANE Select); 5818 bases downstream of the stop codon, C replaced by T.
Molecular consequence: 3 prime UTR variant.
Genome position (GRCh38, 1-based): chr16:9,757,331, G>A on the plus strand (C>T on the coding strand, the complement: GRIN2A is on the minus strand). VCF-style: chr16-9757331-G-A. GRCh37 (hg19) VCF-style: chr16-9851188-G-A.
Other names: c.*5818C>T (NM_000833.5); c.*6024C>T (NM_001134408.2).
Identifiers: ClinVar variation 321520 (VCV000321520.6), dbSNP rs8044472, ClinGen allele CA10648466.